The following is an entry in ClinVar:

NM_017947.4(MOCOS):c.1421C>T (p.Thr474Met)

Gene: MOCOS (molybdenum cofactor sulfurase; plus strand). Cytogenetic location: 18q12.2.
Variant type: single nucleotide variant.
Coding change: c.1421C>T on transcript NM_017947.4 (MANE Select); coding-DNA position 1421, C replaced by T.
Protein change: p.Thr474Met; replaces threonine 474 with methionine.
Molecular consequence: missense variant.
Genome position (GRCh38, 1-based): chr18:36,215,601, C>T. VCF-style: chr18-36215601-C-T. GRCh37 (hg19) VCF-style: chr18-33795564-C-T.
Other names: c.1421C>T (NM_017947.3); short protein forms T474M.
Identifiers: ClinVar variation 952662 (VCV000952662.14), dbSNP rs201559593, ClinGen allele CA8940738.

ClinVar aggregate classification (germline): Uncertain significance. Review status: criteria provided, multiple submitters, no conflicts (2 of 4 stars). 5 submissions from 5 submitters: Uncertain significance (5). Last evaluated 2025-08-21.

Conditions:
Xanthinuria type II. Also called: Xanthine dehydrogenase and aldehyde oxidase combined deficiency of; XDH and AOX dual deficiency. Identifiers: Orphanet 3467, Orphanet 93602, MedGen C1863688, MONDO:0011346, OMIM 603592.

Allele frequency attached by ClinVar (database versions not stated): gnomAD 0.00003 and 0.00004; TOPMed 0.00003; ESP Exome Variant Server 0.00008.
gnomAD v4.1: 148 of 1,614,122 alleles (0.0092%); highest among the groups gnomAD compares: Middle Eastern, 0.033%; no homozygotes.

Submissions (5):

Labcorp Genetics (formerly Invitae), Labcorp
Classification: Uncertain significance for Xanthinuria type II. Last evaluated: 2025-08-21. Review status: criteria provided, single submitter. Criteria: Invitae Variant Classification Sherloc (09022015). Collection method: clinical testing. Allele origin: germline.
Comment: This sequence change replaces threonine, which is neutral and polar, with methionine, which is neutral and non-polar, at codon 474 of the MOCOS protein (p.Thr474Met). This variant is present in population databases (rs201559593, gnomAD 0.03%). This variant has not been reported in the literature in individuals affected with MOCOS-related conditions. ClinVar contains an entry for this variant (Variation ID: 952662). Invitae Evidence Modeling of protein sequence and biophysical properties (such as structural, functional, and spatial information, amino acid conservation, physicochemical variation, residue mobility, and thermodynamic stability) has been performed for this missense variant. However, the output from this modeling did not meet the statistical confidence thresholds required to predict the impact of this variant on MOCOS protein function. In summary, the available evidence is currently insufficient to determine the role of this variant in disease. Therefore, it has been classified as a Variant of Uncertain Significance.

Blueprint Genetics
Classification: Uncertain significance. Last evaluated: 2024-10-03. Review status: criteria provided, single submitter. Criteria: ACMG Guidelines, 2015. Collection method: clinical testing. Allele origin: germline.

Fulgent Genetics
Classification: Uncertain significance for Xanthinuria type II. Last evaluated: 2024-05-08. Review status: criteria provided, single submitter. Criteria: ACMG Guidelines, 2015. Collection method: clinical testing. Allele origin: germline.

Clinical Genetics Laboratory, Skane University Hospital Lund
Classification: Uncertain significance. Last evaluated: 2022-05-27. Review status: criteria provided, single submitter. Criteria: ACMG Guidelines, 2015. Collection method: clinical testing. Allele origin: germline. Affected: yes.

Breakthrough Genomics
Classification: Uncertain significance. Review status: criteria provided, single submitter. Criteria: ACMG Guidelines, 2015. Collection method: not provided. Allele origin: germline. Inheritance: Autosomal recessive inheritance. Affected: yes.